The following is an entry in ClinVar:

ClinVar aggregate classification (germline): Pathogenic (1 of 4 stars; one submission).

Conditions:
Charcot-Marie-Tooth disease type 2. Also called: Charcot-Marie-Tooth type 2. Identifiers: Orphanet 64746, MedGen C0270914, MONDO:0018993.

Allele frequency attached by ClinVar (database versions not stated): TOPMed below 0.00001.

Submission:

Labcorp Genetics (formerly Invitae), Labcorp
Classification: Pathogenic for Charcot-Marie-Tooth disease type 2. Last evaluated: 2023-06-30. Review status: criteria provided, single submitter. Criteria: Invitae Variant Classification Sherloc (09022015). Collection method: clinical testing. Allele origin: germline.
Comment: For these reasons, this variant has been classified as Pathogenic. ClinVar contains an entry for this variant (Variation ID: 1962507). This variant has not been reported in the literature in individuals affected with MFN2-related conditions. This variant is not present in population databases (gnomAD no frequency). This sequence change creates a premature translational stop signal (p.Gln169*) in the MFN2 gene. It is expected to result in an absent or disrupted protein product. Loss-of-function variants in MFN2 are known to be pathogenic (PMID: 16714318, 16835246, 21715711, 23781337, 26955893).

Literature cited by the submitters: PubMed 16714318; PubMed 16835246; PubMed 21715711; PubMed 23781337; PubMed 26955893.

NM_014874.4(MFN2):c.505C>T (p.Gln169Ter)

Gene: MFN2 (mitofusin 2; plus strand). Cytogenetic location: 1p36.22.
Variant type: single nucleotide variant.
Coding change: c.505C>T on transcript NM_014874.4 (MANE Select); coding-DNA position 505, C replaced by T.
Protein change: p.Gln169Ter; replaces glutamine 169 with a stop codon.
Molecular consequence: nonsense.
Genome position (GRCh38, 1-based): chr1:11,997,327, C>T. VCF-style: chr1-11997327-C-T. GRCh37 (hg19) VCF-style: chr1-12057384-C-T.
Other names: c.505C>T, p.Gln169Ter (NM_001127660.2); short protein forms Q169*.
Identifiers: ClinVar variation 1962507 (VCV001962507.5), dbSNP rs1638957324, ClinGen allele CA338436336.